The following is an entry in ClinVar:

NM_004562.3(PRKN):c.458C>G (p.Pro153Arg)

Genes: PRKN (parkin RBR E3 ubiquitin protein ligase; minus strand), LOC126859871 (MED14-independent group 3 enhancer GRCh37_chr6:162621359-162622558; plus strand). Cytogenetic location: 6q26.
Variant type: single nucleotide variant.
Coding change: c.458C>G on transcript NM_004562.3 (MANE Select); coding-DNA position 458, C replaced by G.
Protein change: p.Pro153Arg; replaces proline 153 with arginine.
Molecular consequence: missense variant. On other transcripts: intron variant (1).
Genome position (GRCh38, 1-based): chr6:162,201,207, G>C on the plus strand (C>G on the coding strand, the complement: PRKN is on the minus strand). VCF-style: chr6-162201207-G-C. GRCh37 (hg19) VCF-style: chr6-162622239-G-C.
Other names: c.458C>G, p.Pro153Arg (NM_013987.3); c.172-227790C>G (NM_013988.3); short protein forms P153R.
Identifiers: ClinVar variation 468587 (VCV000468587.40), dbSNP rs55654276, ClinGen allele CA4090357.

ClinVar aggregate classification (germline): Benign/Likely benign. Review status: criteria provided, multiple submitters, no conflicts (2 of 4 stars). 6 submissions from 6 submitters: Benign (3); Likely benign (3). Last evaluated 2026-01-19.

Conditions:
Autosomal recessive juvenile Parkinson disease 2. Also called: PRKN-Related Early-Onset Parkinson Disease; PARKINSON DISEASE, JUVENILE, AUTOSOMAL RECESSIVE; Parkinson disease, juvenile, type 2; Parkinson disease autosomal recessive, early onset; Juvenile parkinsonism; Parkinsonism, early onset, with diurnal fluctuation. Identifiers: Orphanet 2828, MedGen C1868675, MONDO:0010820, OMIM 600116.
Ovarian neoplasm. Also called: Ovarian Neoplasms; Ovarian tumor; Neoplasm of ovary. Identifiers: MedGen C0919267, MeSH D010051, MONDO:0021068, HP:0100615.
Lung cancer. Also called: Malignant tumor of lung; Lung cancer, somatic. Identifiers: MedGen C0242379, MONDO:0008903, OMIM 211980.

Allele frequency attached by ClinVar (database versions not stated): 1000 Genomes Project 0.00639; 1000 Genomes Project 30x 0.00703; gnomAD exomes 0.00130; ExAC 0.00167; gnomAD 0.00452; ESP Exome Variant Server 0.00515; TOPMed 0.00568.
gnomAD v4.1: 1,486 of 1,613,942 alleles (0.092%); highest among the groups gnomAD compares: African/African-American, 1.7%; 5 homozygotes.

Submissions (6):

Labcorp Genetics (formerly Invitae), Labcorp
Classification: Benign. Last evaluated: 2026-01-19. Review status: criteria provided, single submitter. Criteria: Invitae Variant Classification Sherloc (09022015). Collection method: clinical testing. Allele origin: germline.

CeGaT Center for Human Genetics Tuebingen
Classification: Benign. Last evaluated: 2022-08-01. Review status: criteria provided, single submitter. Criteria: CeGaT Center For Human Genetics Tuebingen Variant Classification Criteria Version 2. Collection method: clinical testing. Allele origin: germline. Affected: yes. Observed: 1 variant allele.
Comment: PRKN: BS1, BS2

Fulgent Genetics
Classification: Likely benign for Ovarian cancer; Lung cancer; Autosomal recessive juvenile Parkinson disease 2. Last evaluated: 2021-09-21. Review status: criteria provided, single submitter. Criteria: ACMG Guidelines, 2015. Collection method: clinical testing. Allele origin: unknown.

Mendelics
Classification: Likely benign for Autosomal recessive juvenile Parkinson disease 2. Last evaluated: 2019-05-28. Review status: criteria provided, single submitter. Criteria: Mendelics Assertion Criteria 2017. Collection method: clinical testing. Allele origin: unknown.

Illumina Laboratory Services, Illumina
Classification: Benign for Autosomal recessive juvenile Parkinson disease 2. Last evaluated: 2017-04-27. Review status: criteria provided, single submitter. Criteria: ICSL Variant Classification Criteria 13 December 2019. Collection method: clinical testing. Allele origin: germline.
Comment: This variant was observed as part of a predisposition screen in an ostensibly healthy population. A literature search was performed for the gene, cDNA change, and amino acid change (where applicable). Publications were found based on this search. The evidence from the literature, in combination with allele frequency data from public databases where available, was sufficient to rule this variant out of causing disease. Therefore, this variant is classified as benign.

Breakthrough Genomics
Classification: Likely benign. Review status: criteria provided, single submitter. Criteria: ACMG Guidelines, 2015. Collection method: not provided. Allele origin: germline. Inheritance: Autosomal recessive inheritance. Affected: yes.

Literature cited by the submitters: PubMed 19205068 (cited by Illumina Laboratory Services, Illumina); PubMed 18413468 (cited by Illumina Laboratory Services, Illumina); PubMed 17415800 (cited by Illumina Laboratory Services, Illumina); PubMed 18927607 (cited by Illumina Laboratory Services, Illumina).